The following is an entry in ClinVar:

NM_138694.4(PKHD1):c.3637_3673dup (p.Pro1225fs)

Gene: PKHD1 (PKHD1 ciliary IPT domain containing fibrocystin/polyductin; minus strand). Cytogenetic location: 6p12.2.
Variant type: Duplication.
Coding change: c.3637_3673dup on transcript NM_138694.4 (MANE Select); coding-DNA positions 3637 to 3673, 37 bases duplicated.
Protein change: p.Pro1225fs; shifts the reading frame from proline 1225.
Molecular consequence: frameshift variant.
Genome position (GRCh38, 1-based): chr6:52,026,137-52,026,173, 37 bases duplicated; duplicating any 37 consecutive bases within chr6:52,026,137-52,026,180 gives the same sequence; the c. name uses the placement nearest the transcript's 3' end. GRCh37 (hg19): chr6:51,890,942-51,890,978.
Other names: c.3637_3673dup, p.Pro1225fs (NM_170724.3); short protein forms P1225fs.
Identifiers: ClinVar variation 4816641 (VCV004816641.1).

ClinVar aggregate classification (germline): Likely pathogenic (1 of 4 stars; one submission).

Conditions:
Autosomal recessive polycystic kidney disease (ARPKD). Also called: AR polycystic kidney disease. Identifiers: Orphanet 731, Orphanet 8378, MedGen C0085548, MeSH D017044, MONDO:0009889.

Submission:

Natera, Inc.
Classification: Likely pathogenic for Autosomal recessive polycystic kidney disease. Last evaluated: 2025-08-06. Review status: criteria provided, single submitter. Criteria: Natera Variant Classification Schema (03/2026). Collection method: clinical testing. Allele origin: germline.
Comment: The c.3637_3673dup variant in PKHD1 is a frameshift variant predicted to shift the reading frame beginning at codon 1225 and leads to a stop codon 26 codons downstream. This variant is expected to result in nonsense mediated decay, truncation, or a dysfunctional protein product. This variant is rare in the general population with a frequency below the threshold expected for the associated phenotype(s). Given the available evidence, this variant is classified as Likely Pathogenic.